The following is an entry in ClinVar:

ClinVar aggregate classification (germline): Uncertain significance (1 of 4 stars; one submission).

Submission:

Labcorp Genetics (formerly Invitae), Labcorp
Classification: Uncertain significance. Last evaluated: 2025-01-22. Review status: criteria provided, single submitter. Criteria: Invitae Variant Classification Sherloc (09022015). Collection method: clinical testing. Allele origin: germline.
Comment: This sequence change falls in intron 24 of the UNC80 gene. It does not directly change the encoded amino acid sequence of the UNC80 protein. Information on the frequency of this variant in the gnomAD database is not available, as this variant may be reported differently in the database. This variant has not been reported in the literature in individuals affected with UNC80-related conditions. ClinVar contains an entry for this variant (Variation ID: 1409667). In summary, the available evidence is currently insufficient to determine the role of this variant in disease. Therefore, it has been classified as a Variant of Uncertain Significance.

NM_001371986.1(UNC80):c.3977-5_3977-4delinsAA

Gene: UNC80 (unc-80 homolog, NALCN channel complex subunit; plus strand). Cytogenetic location: 2q34.
Variant type: Indel.
Coding change: c.3977-5_3977-4delinsAA on transcript NM_001371986.1 (MANE Select); 5 bases into the intron before coding-DNA position 3977 through 4 bases into the intron before coding-DNA position 3977, CC replaced by AA.
Molecular consequence: intron variant.
Genome position (GRCh38, 1-based): chr2:209,880,956-209,880,957, CC replaced by AA. VCF-style: chr2-209880956-CC-AA. GRCh37 (hg19) VCF-style: chr2-210745680-CC-AA.
Other names: c.3983-5_3983-4delinsAA (NM_032504.2); c.3968-5_3968-4delinsAA (NM_182587.4).
Identifiers: ClinVar variation 1409667 (VCV001409667.4), dbSNP rs2124895672, ClinGen allele CA2573135248.